The following is an entry in ClinVar:

ClinVar aggregate classification (germline): Likely benign. Review status: criteria provided, multiple submitters, no conflicts (2 of 4 stars). 2 submissions from 2 submitters: Likely benign (2). Last evaluated 2018-06-20.

Allele frequency attached by ClinVar (database versions not stated): 1000 Genomes Project 30x 0.00500; 1000 Genomes Project 0.00539; TOPMed 0.00847; gnomAD 0.00957 and 0.00968; gnomAD exomes 0.01483.
gnomAD v4.1: 20,208 of 1,422,410 alleles (1.4%); highest among the groups gnomAD compares: Non-Finnish European, 1.6%; 195 homozygotes.

Submissions (2):

GeneDx
Classification: Likely benign. Last evaluated: 2018-06-20. Review status: criteria provided, single submitter. Criteria: GeneDx Variant Classification (06012015). Collection method: clinical testing. Allele origin: germline. Affected: yes.
Comment: This variant is considered likely benign or benign based on one or more of the following criteria: it is a conservative change, it occurs at a poorly conserved position in the protein, it is predicted to be benign by multiple in silico algorithms, and/or has population frequency not consistent with disease.

Breakthrough Genomics
Classification: Likely benign. Review status: criteria provided, single submitter. Criteria: ACMG Guidelines, 2015. Collection method: not provided. Allele origin: germline. Inheritance: Autosomal recessive inheritance. Affected: yes.

NM_001354604.2(MITF):c.582+491G>A

Gene: MITF (melanocyte inducing transcription factor; plus strand). Cytogenetic location: 3p13.
Variant type: single nucleotide variant.
Coding change: c.582+491G>A on transcript NM_001354604.2 (MANE Select); 491 bases into the intron after coding-DNA position 582, G replaced by A.
Molecular consequence: intron variant. On other transcripts: 3 prime UTR variant (1).
Genome position (GRCh38, 1-based): chr3:69,938,540, G>A. VCF-style: chr3-69938540-G-A. GRCh37 (hg19) VCF-style: chr3-69987691-G-A.
Other names: c.*174G>A (NM_001184968.2); c.531+491G>A (NM_001354607.2); c.426+491G>A (NM_001354608.2, NM_001184967.2); c.582+491G>A (NM_198159.3); c.579+491G>A (NM_001354605.2, NM_001354606.2, NM_006722.3); c.534+491G>A (NM_198177.3); c.261+491G>A (NM_000248.4, NM_198158.3); c.94-558G>A (NM_198178.3).
Identifiers: ClinVar variation 679775 (VCV000679775.2), dbSNP rs145438735, ClinGen allele CA77000610.